The following is an entry in ClinVar:

ClinVar aggregate classification (germline): Pathogenic (1 of 4 stars; one submission).

Conditions:
Arrhythmogenic right ventricular dysplasia 8 (ARVD8). Also called: Arrhythmogenic Right Ventricular Dysplasia/Cardiomyopathy 8; ARRHYTHMOGENIC RIGHT VENTRICULAR DYSPLASIA, FAMILIAL, 8; ARRHYTHMOGENIC RIGHT VENTRICULAR CARDIOMYOPATHY 8. Identifiers: MedGen C1843896, MONDO:0011831, OMIM 607450.
Arrhythmogenic cardiomyopathy with wooly hair and keratoderma. Also called: PALMOPLANTAR KERATODERMA WITH LEFT VENTRICULAR CARDIOMYOPATHY AND WOOLLY HAIR; Arrhythmogenic cardiomyopathy with woolly hair and keratoderma; Carvajal syndrome; Dilated cardiomyopathy with woolly hair and keratoderma. Identifiers: Orphanet 65282, MedGen C1854063, MONDO:0011581, OMIM 605676.

Submission:

Labcorp Genetics (formerly Invitae), Labcorp
Classification: Pathogenic for Arrhythmogenic cardiomyopathy with wooly hair and keratoderma; Arrhythmogenic right ventricular dysplasia 8. Last evaluated: 2025-03-05. Review status: criteria provided, single submitter. Criteria: Invitae Variant Classification Sherloc (09022015). Collection method: clinical testing. Allele origin: germline.
Comment: This sequence change creates a premature translational stop signal (p.Asn1237Lysfs*4) in the DSP gene. It is expected to result in an absent or disrupted protein product. Loss-of-function variants in DSP are known to be pathogenic (PMID: 20716751, 24503780, 25227139). This variant is not present in population databases (gnomAD no frequency). This variant has not been reported in the literature in individuals affected with DSP-related conditions. For these reasons, this variant has been classified as Pathogenic.

Literature cited by the submitters: PubMed 20716751; PubMed 24503780; PubMed 25227139.

NM_004415.4(DSP):c.3707dup (p.Asn1237fs)

Gene: DSP (desmoplakin; plus strand). Cytogenetic location: 6p24.3.
Variant type: Duplication.
Coding change: c.3707dup on transcript NM_004415.4 (MANE Select); coding-DNA position 3707, one base duplicated (G; older notation c.3707dupG).
Protein change: p.Asn1237fs; shifts the reading frame from asparagine 1237.
Molecular consequence: frameshift variant. On other transcripts: intron variant (1).
Genome position (GRCh38, 1-based): chr6:7,579,897, G duplicated. VCF-style (leftmost placement, unchanged base first): chr6-7579896-A-AG. GRCh37 (hg19) VCF-style: chr6-7580129-A-AG.
Other names: c.3707dup, p.Asn1237fs (NM_001319034.2); c.3582+125dup (NM_001008844.3); short protein forms N1237fs.
Identifiers: ClinVar variation 4784354 (VCV004784354.1).